The following is an entry in ClinVar:

ClinVar aggregate classification (germline): Uncertain significance. Review status: criteria provided, multiple submitters, no conflicts (2 of 4 stars). 2 submissions from 2 submitters: Uncertain significance (2). Last evaluated 2025-06-17.

Conditions:
Inborn genetic diseases. Identifiers: MedGen C0950123, MeSH D030342.

Allele frequency attached by ClinVar (database versions not stated): gnomAD exomes 0.00001; ExAC 0.00002.
gnomAD v4.1: 23 of 1,613,736 alleles (0.0014%); highest among the groups gnomAD compares: African/African-American, 0.016%; no homozygotes.

Submissions (2):

Ambry Genetics
Classification: Uncertain significance for Inborn genetic diseases. Last evaluated: 2025-06-17. Review status: criteria provided, single submitter. Criteria: Ambry Variant Classification Scheme 2023. Collection method: clinical testing. Allele origin: germline.

Labcorp Genetics (formerly Invitae), Labcorp
Classification: Uncertain significance. Last evaluated: 2022-04-08. Review status: criteria provided, single submitter. Criteria: Invitae Variant Classification Sherloc (09022015). Collection method: clinical testing. Allele origin: germline.
Comment: This sequence change replaces serine, which is neutral and polar, with phenylalanine, which is neutral and non-polar, at codon 954 of the ADAMTSL4 protein (p.Ser954Phe). This variant is present in population databases (rs770157227, gnomAD 0.01%). This variant has not been reported in the literature in individuals affected with ADAMTSL4-related conditions. Algorithms developed to predict the effect of missense changes on protein structure and function (SIFT, PolyPhen-2, Align-GVGD) all suggest that this variant is likely to be disruptive. In summary, the available evidence is currently insufficient to determine the role of this variant in disease. Therefore, it has been classified as a Variant of Uncertain Significance.

NM_019032.6(ADAMTSL4):c.2861C>T (p.Ser954Phe)

Gene: ADAMTSL4 (ADAMTS like 4; plus strand). Cytogenetic location: 1q21.2.
Variant type: single nucleotide variant.
Coding change: c.2861C>T on transcript NM_019032.6 (MANE Select); coding-DNA position 2861, C replaced by T.
Protein change: p.Ser954Phe; replaces serine 954 with phenylalanine.
Molecular consequence: missense variant.
Genome position (GRCh38, 1-based): chr1:150,559,384, C>T. VCF-style: chr1-150559384-C-T. GRCh37 (hg19) VCF-style: chr1-150531860-C-T.
Other names: c.2744C>T, p.Ser915Phe (NM_001288607.2); c.2930C>T, p.Ser977Phe (NM_001288608.2); c.2861C>T, p.Ser954Phe (NM_001378596.1); c.2861C>T (NM_019032.4); short protein forms S977F, S954F, S915F.
Identifiers: ClinVar variation 2142343 (VCV002142343.2), dbSNP rs770157227, ClinGen allele CA1078863.
Genomic context (GRCh38, chr1:150,559,384, plus strand): 5'-ACATCATCTGTGTATCCAAACTGGGGACGGAGTTCAACGTGACTTCTCCGAGCAACTGTT[C>T]TCACCTCCCCAGGCCCCCTGCCCTGCAGCCCTGTCAAGGGCAGGCCTGCCAGGACCGATG-3'
Protein context (NP_061905.2, residues 944-964): EFNVTSPSNC[Ser954Phe]HLPRPPALQP